The following is an entry in ClinVar:

ClinVar aggregate classification (germline): Likely benign (0 of 4 stars; one submission).

Conditions:
DDR2-related disorder. Also called: DDR2-related condition.

Allele frequency attached by ClinVar (database versions not stated): ExAC 0.00002; TOPMed 0.00003; gnomAD 0.00004; ESP Exome Variant Server 0.00015.
gnomAD v4.1: 55 of 1,613,998 alleles (0.0034%); highest among the groups gnomAD compares: Non-Finnish European, 0.0044%; no homozygotes.

Submission:

PreventionGenetics, part of Exact Sciences
Classification: Likely benign for DDR2-related condition. Last evaluated: 2019-04-15. Review status: no assertion criteria provided. Collection method: clinical testing. Allele origin: germline.
Comment: This variant is classified as likely benign based on ACMG/AMP sequence variant interpretation guidelines (Richards et al. 2015 PMID: 25741868, with internal and published modifications).

NM_006182.4(DDR2):c.1227C>A (p.Ile409=)

Gene: DDR2 (discoidin domain receptor tyrosine kinase 2; plus strand). Cytogenetic location: 1q23.3.
Variant type: single nucleotide variant.
Coding change: c.1227C>A on transcript NM_006182.4 (MANE Select); coding-DNA position 1227, C replaced by A.
Protein change: p.Ile409=; no amino-acid change (isoleucine 409 retained).
Molecular consequence: synonymous variant.
Genome position (GRCh38, 1-based): chr1:162,767,293, C>A. VCF-style: chr1-162767293-C-A. GRCh37 (hg19) VCF-style: chr1-162737083-C-A.
Other names: c.1227C>A, p.Ile409= (NM_001014796.3, NM_001354982.2, NM_001354983.2).
Identifiers: ClinVar variation 3058614 (VCV003058614.2), dbSNP rs149841590, ClinGen allele CA1217465.